The following is an entry in ClinVar:

NM_004360.5(CDH1):c.2265T>A (p.Tyr755Ter)

Gene: CDH1 (cadherin 1; plus strand). Cytogenetic location: 16q22.1.
Variant type: single nucleotide variant.
Coding change: c.2265T>A on transcript NM_004360.5 (MANE Select); coding-DNA position 2265, T replaced by A.
Protein change: p.Tyr755Ter; replaces tyrosine 755 with a stop codon.
Molecular consequence: nonsense.
Genome position (GRCh38, 1-based): chr16:68,828,274, T>A. VCF-style: chr16-68828274-T-A. GRCh37 (hg19) VCF-style: chr16-68862177-T-A.
Other names: c.2265T>A (LRG_301t1); c.2082T>A, p.Tyr694Ter (NM_001317184.2); c.717T>A, p.Tyr239Ter (NM_001317185.2); c.300T>A, p.Tyr100Ter (NM_001317186.2); short protein forms Y755*, Y239*, Y694*, Y100*.
Identifiers: ClinVar variation 599653 (VCV000599653.6), dbSNP rs876658944, ClinGen allele CA396469962.

ClinVar aggregate classification (germline): Pathogenic. Review status: reviewed by expert panel (3 of 4 stars). 2 submissions from 2 submitters: Pathogenic (1). 1 of the submissions does not count toward it. Last evaluated 2023-08-29.

Conditions:
CDH1-related diffuse gastric and lobular breast cancer syndrome. Also called: CDH1-related diffuse gastric and lobular breast cancer. Identifiers: MedGen CN311521, MONDO:0100488.
Hereditary cancer-predisposing syndrome. Also called: Neoplastic Syndromes, Hereditary; Hereditary neoplastic syndrome; Tumor predisposition; Hereditary Cancer Syndrome. Identifiers: Orphanet 140162, MedGen C0027672, MeSH D009386, MONDO:0015356.

Submissions (2):

Clingen Gastric Cancer Variant Curation Expert Panel
Classification: Pathogenic for CDH1-related diffuse gastric and lobular breast cancer syndrome. Last evaluated: 2023-08-29. Review status: reviewed by expert panel. Criteria: ClinGen CDH1 ACMG Specifications V3.1. Collection method: curation. Allele origin: germline. Inheritance: Autosomal dominant inheritance.
Comment: The c.2265T>A (p.Tyr755*) variant is predicted to result in a premature stop codon that leads to a truncated or absent protein (PVS1, PM5_Supporting). The variant is absent in the gnomAD cohort (PM2_Supporting). Additionally, this variant has been reported in at least one family meeting HDGC clinical criteria (PS4_Supporting; PMID: 26182300). In summary, this variant meets criteria to be classified as pathogenic based on the ACMG/AMP criteria applied as specified by the CDH1 Variant Curation Expert Panel (Variant Interpretation Guidelines Version 3.1): PVS1, PM2_Supporting, PS4_Supporting, PM5_Supporting.

Ambry Genetics
Classification: Pathogenic for Hereditary cancer-predisposing syndrome. Last evaluated: 2024-09-23. Review status: criteria provided, single submitter. Criteria: Ambry Variant Classification Scheme 2023. Collection method: clinical testing. Allele origin: germline. Not counted in ClinVar's aggregate classification.
Comment: The p.Y755* pathogenic mutation (also known as c.2265T>A), located in coding exon 14 of the CDH1 gene, results from a T to A substitution at nucleotide position 2265. This changes the amino acid from a tyrosine to a stop codon within coding exon 14. This variant is considered to be rare based on population cohorts in the Genome Aggregation Database (gnomAD). This alteration is expected to result in loss of function by premature protein truncation or nonsense-mediated mRNA decay. As such, this alteration is interpreted as a disease-causing mutation.

Literature cited by the submitters: PubMed 26182300 (cited by Clingen Gastric Cancer Variant Curation Expert Panel).